The following is an entry in ClinVar:

ClinVar aggregate classification (germline): Pathogenic. Review status: criteria provided, multiple submitters, no conflicts (2 of 4 stars). 2 submissions from 2 submitters: Pathogenic (2). Last evaluated 2023-11-24.

Conditions:
Hereditary spastic paraplegia 4. Also called: Familial spastic paraplegia autosomal dominant 2; Spastic paraplegia 4, autosomal dominant; Spastic Paraplegia 4. Identifiers: Orphanet 100985, MedGen C1866855, MONDO:0008438, OMIM 182601.

Submissions (2):

Labcorp Genetics (formerly Invitae), Labcorp
Classification: Pathogenic for Hereditary spastic paraplegia 4. Last evaluated: 2023-11-24. Review status: criteria provided, single submitter. Criteria: Invitae Variant Classification Sherloc (09022015). Collection method: clinical testing. Allele origin: germline.
Comment: This sequence change creates a premature translational stop signal (p.Gln144*) in the SPAST gene. It is expected to result in an absent or disrupted protein product. Loss-of-function variants in SPAST are known to be pathogenic (PMID: 20932283). This variant is not present in population databases (gnomAD no frequency). This premature translational stop signal has been observed in individual(s) with hereditary spastic paraplegia (PMID: 25454648). ClinVar contains an entry for this variant (Variation ID: 1184950). For these reasons, this variant has been classified as Pathogenic.

Institute of Medical Genetics and Applied Genomics, University Hospital Tübingen
Classification: Pathogenic. Last evaluated: 2021-06-17. Review status: criteria provided, single submitter. Criteria: ACMG Guidelines, 2015. Collection method: clinical testing. Allele origin: germline. Inheritance: Autosomal dominant inheritance. Affected: yes.

Literature cited by the submitters: PubMed 20932283 (cited by Labcorp Genetics (formerly Invitae), Labcorp); PubMed 25454648 (cited by Labcorp Genetics (formerly Invitae), Labcorp).

NM_014946.4(SPAST):c.430C>T (p.Gln144Ter)

Gene: SPAST (spastin; plus strand). Cytogenetic location: 2p22.3.
Variant type: single nucleotide variant.
Coding change: c.430C>T on transcript NM_014946.4 (MANE Select); coding-DNA position 430, C replaced by T.
Protein change: p.Gln144Ter; replaces glutamine 144 with a stop codon.
Molecular consequence: nonsense.
Genome position (GRCh38, 1-based): chr2:32,087,506, C>T. VCF-style: chr2-32087506-C-T. GRCh37 (hg19) VCF-style: chr2-32312575-C-T.
Other names: c.427C>T, p.Gln143Ter (NM_001363823.2, NM_001363875.2); c.430C>T, p.Gln144Ter (NM_001377959.1, NM_199436.2); short protein forms Q143*, Q144*.
Identifiers: ClinVar variation 1184950 (VCV001184950.5), dbSNP rs1553399476, ClinGen allele CA346603100.
Genomic context (GRCh38, chr2:32,087,506, plus strand): 5'-AGTGTACTCTTCATACGATCTATACAAATAATTTTTTATTTTAAAGCAGGACAGAAGGAG[C>T]AAGCTGTGGAATGGTATAAGAAAGGTATTGAAGAACTGGAAAAAGGAATAGCTGTTATAG-3'